The following is an entry in ClinVar:

ClinVar aggregate classification (germline): Pathogenic (1 of 4 stars; one submission).

Conditions:
Duchenne muscular dystrophy (DMD). Also called: MUSCULAR DYSTROPHY, PSEUDOHYPERTROPHIC PROGRESSIVE, DUCHENNE TYPE; Duchenne Muscular Dystrophy (DMD). Identifiers: Orphanet 98896, MedGen C0013264, MONDO:0010679, OMIM 310200.

Submission:

Labcorp Genetics (formerly Invitae), Labcorp
Classification: Pathogenic for Duchenne muscular dystrophy. Last evaluated: 2019-02-22. Review status: criteria provided, single submitter. Criteria: Invitae Variant Classification Sherloc (09022015). Collection method: clinical testing. Allele origin: germline.
Comment: This variant is an in-frame deletion of the genomic region encompassing exons 49-55 of the DMD gene. It preserves the integrity of the reading frame. This variant has not been reported in the literature in individuals with DMD-related disease. Sub-genic deletions of exon 49 have been determined to be pathogenic (PMID: 14977063, 9619643, 23438214, 20031633, 9470882, 20847377). Therefore, deletions that fully encompass that region are also expected to be pathogenic For these reasons, this variant has been classified as Pathogenic.

Literature cited by the submitters: PubMed 9619643; PubMed 20847377; PubMed 9470882; PubMed 20031633; PubMed 23438214; PubMed 14977063.

NC_000023.11:g.(?_31609621)_(31836839_?)del

Gene: DMD (dystrophin; minus strand). Cytogenetic location: Xp21.1.
Variant type: Deletion.
Identifiers: ClinVar variation 455802 (VCV000455802.3).